The following is an entry in ClinVar:

ClinVar aggregate classification (germline): Uncertain significance (1 of 4 stars; one submission).

Submission:

Labcorp Genetics (formerly Invitae), Labcorp
Classification: Uncertain significance. Last evaluated: 2022-07-11. Review status: criteria provided, single submitter. Criteria: Invitae Variant Classification Sherloc (09022015). Collection method: clinical testing. Allele origin: germline.
Comment: This sequence change replaces proline, which is neutral and non-polar, with histidine, which is basic and polar, at codon 51 of the COL18A1 protein ( p.Pro51His). In summary, the available evidence is currently insufficient to determine the role of this variant in disease. Therefore, it has been classified as a Variant of Uncertain Significance. Experimental studies and prediction algorithms are not available or were not evaluated, and the functional significance of this variant is currently unknown. ClinVar contains an entry for this variant (Variation ID: 1518742). This variant has not been reported in the literature in individuals affected with COL18A1-related conditions. This variant is not present in population databases (gnomAD no frequency). The COL18A1 gene has multiple clinically relevant transcripts. This variant occurs in alternate transcript NM_030582.4, and corresponds to NM_130445.3:c.107-12560C>A in the primary transcript.

NM_001379500.1(COL18A1):c.107-12560C>A

Gene: COL18A1 (collagen type XVIII alpha 1 chain; plus strand). Cytogenetic location: 21q22.3.
Variant type: single nucleotide variant.
Coding change: c.107-12560C>A on transcript NM_001379500.1 (MANE Select); 12560 bases into the intron before coding-DNA position 107, C replaced by A.
Molecular consequence: intron variant. On other transcripts: missense variant (2).
Genome position (GRCh38, 1-based): chr21:45,455,682, C>A. VCF-style: chr21-45455682-C-A. GRCh37 (hg19) VCF-style: chr21-46875596-C-A.
Other names: c.152C>A, p.Pro51His (NM_030582.4, NM_130444.3); short protein forms P51H.
Identifiers: ClinVar variation 1518742 (VCV001518742.6), dbSNP rs2145851180, ClinGen allele CA410505244.